The following is an entry in ClinVar:

NM_014714.4(IFT140):c.700C>A (p.Gln234Lys)

Genes: IFT140 (intraflagellar transport 140; minus strand), LOC105371046 (uncharacterized LOC105371046; plus strand). Cytogenetic location: 16p13.3.
Variant type: single nucleotide variant.
Coding change: c.700C>A on transcript NM_014714.4 (MANE Select); coding-DNA position 700, C replaced by A.
Protein change: p.Gln234Lys; replaces glutamine 234 with lysine.
Molecular consequence: missense variant.
Genome position (GRCh38, 1-based): chr16:1,589,715, G>T on the plus strand (C>A on the coding strand, the complement: IFT140 is on the minus strand). VCF-style: chr16-1589715-G-T. GRCh37 (hg19) VCF-style: chr16-1639716-G-T.
Other names: short protein forms Q234K.
Identifiers: ClinVar variation 2884460 (VCV002884460.3), dbSNP rs768368027, ClinGen allele CA276683721.

ClinVar aggregate classification (germline): Uncertain significance (1 of 4 stars; one submission).

Conditions:
Saldino-Mainzer syndrome (SRTD9). Also called: CONORENAL SYNDROME; Renal dysplasia, retinal pigmentary dystrophy, cerebellar ataxia and skeletal dysplasia; SHORT-RIB THORACIC DYSPLASIA 9 WITHOUT POLYDACTYLY; short-rib thoracic dysplasia 9 with or without polydactyly. Identifiers: Orphanet 140969, MedGen C1849437, MONDO:0009964, OMIM 266920.

gnomAD v4.1: 3 of 1,614,136 alleles (0.00019%); highest among the groups gnomAD compares: Non-Finnish European, 0.00017%; no homozygotes.

Submission:

Labcorp Genetics (formerly Invitae), Labcorp
Classification: Uncertain significance for Saldino-Mainzer syndrome. Last evaluated: 2023-05-09. Review status: criteria provided, single submitter. Criteria: Invitae Variant Classification Sherloc (09022015). Collection method: clinical testing. Allele origin: germline.
Comment: In summary, the available evidence is currently insufficient to determine the role of this variant in disease. Therefore, it has been classified as a Variant of Uncertain Significance. Advanced modeling of protein sequence and biophysical properties (such as structural, functional, and spatial information, amino acid conservation, physicochemical variation, residue mobility, and thermodynamic stability) performed at Invitae indicates that this missense variant is not expected to disrupt IFT140 protein function. This variant has not been reported in the literature in individuals affected with IFT140-related conditions. This variant is not present in population databases (gnomAD no frequency). This sequence change replaces glutamine, which is neutral and polar, with lysine, which is basic and polar, at codon 234 of the IFT140 protein (p.Gln234Lys).